The following is an entry in ClinVar:

ClinVar aggregate classification (germline): Likely benign (1 of 4 stars; one submission).

Allele frequency attached by ClinVar (database versions not stated): gnomAD 0.01373 and 0.01397.

Submission:

GeneDx
Classification: Likely benign. Last evaluated: 2018-06-14. Review status: criteria provided, single submitter. Criteria: GeneDx Variant Classification (06012015). Collection method: clinical testing. Allele origin: germline. Affected: yes.
Comment: This variant is considered likely benign or benign based on one or more of the following criteria: it is a conservative change, it occurs at a poorly conserved position in the protein, it is predicted to be benign by multiple in silico algorithms, and/or has population frequency not consistent with disease.

NM_000744.7(CHRNA4):c.384-194G>A

Gene: CHRNA4 (cholinergic receptor nicotinic alpha 4 subunit; minus strand). Cytogenetic location: 20q13.33.
Variant type: single nucleotide variant.
Coding change: c.384-194G>A on transcript NM_000744.7 (MANE Select); 194 bases into the intron before coding-DNA position 384, G replaced by A.
Molecular consequence: intron variant.
Genome position (GRCh38, 1-based): chr20:63,351,221, C>T on the plus strand (G>A on the coding strand, the complement: CHRNA4 is on the minus strand). VCF-style: chr20-63351221-C-T. GRCh37 (hg19) VCF-style: chr20-61982573-C-T.
Other names: c.-145-194G>A (NM_001256573.2).
Identifiers: ClinVar variation 679905 (VCV000679905.1), dbSNP rs74879482, ClinGen allele CA317436984.